The following is an entry in ClinVar:

NM_000302.4(PLOD1):c.979C>T (p.Gln327Ter)

Gene: PLOD1 (procollagen-lysine,2-oxoglutarate 5-dioxygenase 1; plus strand). Cytogenetic location: 1p36.22.
Variant type: single nucleotide variant.
Coding change: c.979C>T on transcript NM_000302.4 (MANE Select); coding-DNA position 979, C replaced by T.
Protein change: p.Gln327Ter; replaces glutamine 327 with a stop codon.
Molecular consequence: nonsense.
Genome position (GRCh38, 1-based): chr1:11,960,649, C>T. VCF-style: chr1-11960649-C-T. GRCh37 (hg19) VCF-style: chr1-12020706-C-T.
Other names: c.1120C>T, p.Gln374Ter (NM_001316320.2); short protein forms Q327*, Q374*.
Identifiers: ClinVar variation 561087 (VCV000561087.15), dbSNP rs1224538282, ClinGen allele CA338436444.

ClinVar aggregate classification (germline): Pathogenic. Review status: criteria provided, multiple submitters, no conflicts (2 of 4 stars). 5 submissions from 5 submitters: Pathogenic (5). Last evaluated 2025-06-05.

Conditions:
Ehlers-Danlos syndrome, kyphoscoliotic type 1 (EDSKSCL1). Also called: Ehlers-Danlos syndrome, hydroxylysine-deficient; EHLERS-DANLOS SYNDROME, OCULAR-SCOLIOTIC TYPE; EHLERS-DANLOS SYNDROME, TYPE VIA; PLOD1-Related Kyphoscoliotic Ehlers-Danlos Syndrome. Identifiers: Orphanet 1900, MedGen C0268342, MONDO:0016002, OMIM 225400. Disease mechanism: loss of function.

Allele frequency attached by ClinVar (database versions not stated): gnomAD 0.00001; TOPMed 0.00001.
gnomAD v4.1: 3 of 1,611,162 alleles (0.00019%); highest among the groups gnomAD compares: Non-Finnish European, 0.00017%; no homozygotes.

Submissions (5):

Women's Health and Genetics/Laboratory Corporation of America, LabCorp
Classification: Pathogenic for Ehlers-Danlos syndrome, kyphoscoliotic type 1. Last evaluated: 2025-06-05. Review status: criteria provided, single submitter. Criteria: LabCorp Variant Classification Summary - May 2015. Collection method: clinical testing. Allele origin: germline.
Comment: Variant summary: PLOD1 c.979C>T (p.Gln327X) results in a premature termination codon, predicted to cause a truncation of the encoded protein or absence of the protein due to nonsense mediated decay, which are commonly known mechanisms for disease. The variant was absent in 250260 control chromosomes. c.979C>T has been observed in individual(s) affected with Ehlers-Danlos syndrome, kyphoscoliotic type 1 (e.g. Yeowell_2000). These data indicate that the variant is likely associated with disease. The following publication has been ascertained in the context of this evaluation (PMID: 10874315). ClinVar contains an entry for this variant (Variation ID: 561087). Based on the evidence outlined above, the variant was classified as pathogenic.

Labcorp Genetics (formerly Invitae), Labcorp
Classification: Pathogenic for Ehlers-Danlos syndrome, kyphoscoliotic type 1. Last evaluated: 2024-06-12. Review status: criteria provided, single submitter. Criteria: Invitae Variant Classification Sherloc (09022015). Collection method: clinical testing. Allele origin: germline.
Comment: This sequence change creates a premature translational stop signal (p.Gln327*) in the PLOD1 gene. It is expected to result in an absent or disrupted protein product. Loss-of-function variants in PLOD1 are known to be pathogenic (PMID: 10874315, 21699693). This variant is not present in population databases (gnomAD no frequency). This premature translational stop signal has been observed in individual(s) with Ehlers-Danlos syndrome, kyphoscoliotic form (PMID: 10874315). ClinVar contains an entry for this variant (Variation ID: 561087). For these reasons, this variant has been classified as Pathogenic.

GeneDx
Classification: Pathogenic. Last evaluated: 2023-06-06. Review status: criteria provided, single submitter. Criteria: GeneDx Variant Classification Process June 2021. Collection method: clinical testing. Allele origin: germline. Affected: yes.
Comment: Not observed at significant frequency in large population cohorts (gnomAD); Nonsense variant predicted to result in protein truncation or nonsense mediated decay in a gene for which loss of function is a known mechanism of disease; This variant is associated with the following publications: (PMID: 25525159, 10874315, 25326635, 27535533)

Greenwood Genetic Center Diagnostic Laboratories, Greenwood Genetic Center
Classification: Pathogenic for Ehlers-Danlos syndrome, kyphoscoliotic type 1. Last evaluated: 2021-11-22. Review status: criteria provided, single submitter. Criteria: ACMG Guidelines, 2015. Collection method: clinical testing. Allele origin: germline. Affected: yes.
Comment: PVS1, PM3_Supporting, PM2

Baylor Genetics
Classification: Pathogenic for Ehlers-Danlos syndrome, kyphoscoliotic type 1. Last evaluated: 2017-09-01. Review status: criteria provided, single submitter. Criteria: ACMG Guidelines, 2015. Collection method: clinical testing. Allele origin: maternal. Inheritance: Autosomal recessive inheritance. Affected: yes.

Literature cited by the submitters: PubMed 10874315 (cited by 3 submitters); PubMed 21699693 (cited by Labcorp Genetics (formerly Invitae), Labcorp); PubMed 25326635 (cited by Baylor Genetics).